The following is an entry in ClinVar:

NM_014846.4(WASHC5):c.2505-3T>C

Genes: WASHC5 (WASH complex subunit 5; minus strand), WASHC5-AS1 (WASHC5 antisense RNA 1; plus strand). Cytogenetic location: 8q24.13.
Variant type: single nucleotide variant.
Coding change: c.2505-3T>C on transcript NM_014846.4 (MANE Select); 3 bases into the intron before coding-DNA position 2505, T replaced by C.
Molecular consequence: intron variant. On other transcripts: non-coding transcript variant (1).
Genome position (GRCh38, 1-based): chr8:125,044,701, A>G on the plus strand (T>C on the coding strand, the complement: WASHC5 is on the minus strand). VCF-style: chr8-125044701-A-G. GRCh37 (hg19) VCF-style: chr8-126056943-A-G.
Other names: c.2061-3T>C (NM_001330609.2).
Identifiers: ClinVar variation 2231432 (VCV002231432.2), dbSNP rs2537306487, ClinGen allele CA462768265.

ClinVar aggregate classification (germline): Uncertain significance (1 of 4 stars; one submission).

Conditions:
Inborn genetic diseases. Identifiers: MedGen C0950123, MeSH D030342.

Submission:

Ambry Genetics
Classification: Uncertain significance for Inborn genetic diseases. Last evaluated: 2021-06-22. Review status: criteria provided, single submitter. Criteria: Ambry Variant Classification Scheme 2023. Collection method: clinical testing. Allele origin: germline.
Comment: The c.2505-3T>C intronic alteration consists of a T to C substitution 3 nucleotides before exon 21 (coding exon 20) of the WASHC5 gene. Based on insufficient or conflicting evidence, the clinical significance of this alteration remains unclear.